The following is an entry in ClinVar:

NM_001003800.2(BICD2):c.1928C>T (p.Ala643Val)

Gene: BICD2 (BICD cargo adaptor 2; minus strand). Cytogenetic location: 9q22.31.
Variant type: single nucleotide variant.
Coding change: c.1928C>T on transcript NM_001003800.2 (MANE Select); coding-DNA position 1928, C replaced by T.
Protein change: p.Ala643Val; replaces alanine 643 with valine.
Molecular consequence: missense variant.
Genome position (GRCh38, 1-based): chr9:92,718,717, G>A on the plus strand (C>T on the coding strand, the complement: BICD2 is on the minus strand). VCF-style: chr9-92718717-G-A. GRCh37 (hg19) VCF-style: chr9-95480999-G-A.
Other names: c.1928C>T, p.Ala643Val (NM_015250.4); short protein forms A643V.
Identifiers: ClinVar variation 2912386 (VCV002912386.3), dbSNP rs752535272, ClinGen allele CA5126452.

ClinVar aggregate classification (germline): Uncertain significance (1 of 4 stars; one submission).

Conditions:
Autosomal dominant childhood-onset proximal spinal muscular atrophy with contractures (SMALED2A). Also called: Spinal muscular atrophy, lower extremity-predominant, 2A, autosomal dominant; SPINAL MUSCULAR ATROPHY, LOWER EXTREMITY-PREDOMINANT, 2A, CHILDHOOD ONSET, AUTOSOMAL DOMINANT. Identifiers: Orphanet 363447, Orphanet 363454, MedGen C4747715, MONDO:0014121, OMIM 615290.

Allele frequency attached by ClinVar (database versions not stated): TOPMed 0.00002; gnomAD exomes 0.00001; gnomAD 0.00002.
gnomAD v4.1: 7 of 1,614,000 alleles (0.00043%); highest among the groups gnomAD compares: African/African-American, 0.0013%; no homozygotes.

Submission:

Labcorp Genetics (formerly Invitae), Labcorp
Classification: Uncertain significance for Autosomal dominant childhood-onset proximal spinal muscular atrophy with contractures. Last evaluated: 2025-02-27. Review status: criteria provided, single submitter. Criteria: Invitae Variant Classification Sherloc (09022015). Collection method: clinical testing. Allele origin: germline.
Comment: This sequence change replaces alanine, which is neutral and non-polar, with valine, which is neutral and non-polar, at codon 643 of the BICD2 protein (p.Ala643Val). This variant is present in population databases (rs752535272, gnomAD 0.002%). This variant has not been reported in the literature in individuals affected with BICD2-related conditions. ClinVar contains an entry for this variant (Variation ID: 2912386). Invitae Evidence Modeling of protein sequence and biophysical properties (such as structural, functional, and spatial information, amino acid conservation, physicochemical variation, residue mobility, and thermodynamic stability) indicates that this missense variant is not expected to disrupt BICD2 protein function with a negative predictive value of 80%. In summary, the available evidence is currently insufficient to determine the role of this variant in disease. Therefore, it has been classified as a Variant of Uncertain Significance.